The following is an entry in ClinVar:

ClinVar aggregate classification (germline): Uncertain significance. Review status: criteria provided, multiple submitters, no conflicts (2 of 4 stars). 2 submissions from 2 submitters: Uncertain significance (2). Last evaluated 2025-02-02.

Conditions:
Hereditary cancer-predisposing syndrome. Also called: Tumor predisposition; Hereditary Cancer Syndrome; Hereditary neoplastic syndrome; Neoplastic Syndromes, Hereditary. Identifiers: Orphanet 140162, MedGen C0027672, MeSH D009386, MONDO:0015356.
Oligodontia-cancer predisposition syndrome. Also called: TOOTH AGENESIS-COLORECTAL CANCER SYNDROME. Identifiers: Orphanet 300576, MedGen C1837750, MONDO:0012075, OMIM 608615. Disease mechanism: loss of function.

gnomAD v4.1: 3 of 1,573,388 alleles (0.00019%); highest among the groups gnomAD compares: South Asian, 0.0023%; no homozygotes.

Submissions (2):

Ambry Genetics
Classification: Uncertain significance for Hereditary cancer-predisposing syndrome. Last evaluated: 2025-02-02. Review status: criteria provided, single submitter. Criteria: Ambry Variant Classification Scheme 2023. Collection method: clinical testing. Allele origin: germline.
Comment: The p.S430T variant (also known as c.1289G>C), located in coding exon 5 of the AXIN2 gene, results from a G to C substitution at nucleotide position 1289. The serine at codon 430 is replaced by threonine, an amino acid with similar properties. This amino acid position is conserved. In addition, this alteration is predicted to be tolerated by in silico analysis. Based on the available evidence, the clinical significance of this variant remains unclear.

Labcorp Genetics (formerly Invitae), Labcorp
Classification: Uncertain significance for Oligodontia-cancer predisposition syndrome. Last evaluated: 2022-12-07. Review status: criteria provided, single submitter. Criteria: Invitae Variant Classification Sherloc (09022015). Collection method: clinical testing. Allele origin: germline.
Comment: In summary, the available evidence is currently insufficient to determine the role of this variant in disease. Therefore, it has been classified as a Variant of Uncertain Significance. Advanced modeling of protein sequence and biophysical properties (such as structural, functional, and spatial information, amino acid conservation, physicochemical variation, residue mobility, and thermodynamic stability) performed at Invitae indicates that this missense variant is not expected to disrupt AXIN2 protein function. This variant has not been reported in the literature in individuals affected with AXIN2-related conditions. This variant is present in population databases (rs202215840, gnomAD 0.004%). This sequence change replaces serine, which is neutral and polar, with threonine, which is neutral and polar, at codon 430 of the AXIN2 protein (p.Ser430Thr).

NM_004655.4(AXIN2):c.1289G>C (p.Ser430Thr)

Gene: AXIN2 (axin 2; minus strand). Cytogenetic location: 17q24.1.
Variant type: single nucleotide variant.
Coding change: c.1289G>C on transcript NM_004655.4 (MANE Select); coding-DNA position 1289, G replaced by C.
Protein change: p.Ser430Thr; replaces serine 430 with threonine.
Molecular consequence: missense variant.
Genome position (GRCh38, 1-based): chr17:65,537,747, C>G on the plus strand (G>C on the coding strand, the complement: AXIN2 is on the minus strand). VCF-style: chr17-65537747-C-G. GRCh37 (hg19) VCF-style: chr17-63533865-C-G.
Other names: c.1289G>C, p.Ser430Thr (NM_001363813.1); short protein forms S430T.
Identifiers: ClinVar variation 2810745 (VCV002810745.4), dbSNP rs202215840, ClinGen allele CA8718685.